The following is an entry in ClinVar:

NM_004415.4(DSP):c.6134C>G (p.Thr2045Arg)

Gene: DSP (desmoplakin; plus strand). Cytogenetic location: 6p24.3.
Variant type: single nucleotide variant.
Coding change: c.6134C>G on transcript NM_004415.4 (MANE Select); coding-DNA position 6134, C replaced by G.
Protein change: p.Thr2045Arg; replaces threonine 2045 with arginine.
Molecular consequence: missense variant.
Genome position (GRCh38, 1-based): chr6:7,583,396, C>G. VCF-style: chr6-7583396-C-G. GRCh37 (hg19) VCF-style: chr6-7583629-C-G.
Other names: c.4337C>G, p.Thr1446Arg (NM_001008844.3); c.4805C>G, p.Thr1602Arg (NM_001319034.2); short protein forms T1446R, T1602R, T2045R.
Identifiers: ClinVar variation 851395 (VCV000851395.20), dbSNP rs1759516546, ClinGen allele CA362690153.

ClinVar aggregate classification (germline): Uncertain significance. Review status: criteria provided, multiple submitters, no conflicts (2 of 4 stars). 3 submissions from 3 submitters: Uncertain significance (3). Last evaluated 2024-10-15.

Conditions:
Cardiovascular phenotype. Identifiers: MedGen CN230736.
Cardiomyopathy (CMYO). Also called: Cardiomyopathies. Identifiers: Orphanet 167848, MedGen C0878544, MONDO:0004994, HP:0001638. Inheritance: Various modes of inheritance.
Arrhythmogenic right ventricular dysplasia 8 (ARVD8). Also called: ARRHYTHMOGENIC RIGHT VENTRICULAR DYSPLASIA, FAMILIAL, 8; ARRHYTHMOGENIC RIGHT VENTRICULAR CARDIOMYOPATHY 8; Arrhythmogenic Right Ventricular Dysplasia/Cardiomyopathy 8. Identifiers: MedGen C1843896, MONDO:0011831, OMIM 607450.
Arrhythmogenic cardiomyopathy with wooly hair and keratoderma. Also called: Carvajal syndrome; Dilated cardiomyopathy with woolly hair and keratoderma; PALMOPLANTAR KERATODERMA WITH LEFT VENTRICULAR CARDIOMYOPATHY AND WOOLLY HAIR; Arrhythmogenic cardiomyopathy with woolly hair and keratoderma. Identifiers: Orphanet 65282, MedGen C1854063, MONDO:0011581, OMIM 605676.

Allele frequency attached by ClinVar (database versions not stated): gnomAD exomes below 0.00001.
gnomAD v4.1: 3 of 1,614,154 alleles (0.00019%); highest among the groups gnomAD compares: Non-Finnish European, 0.000085%; no homozygotes.

Submissions (3):

Ambry Genetics
Classification: Uncertain significance for Cardiovascular phenotype. Last evaluated: 2024-10-15. Review status: criteria provided, single submitter. Criteria: Ambry Variant Classification Scheme 2023. Collection method: clinical testing. Allele origin: germline.
Comment: The p.T2045R variant (also known as c.6134C>G), located in coding exon 24 of the DSP gene, results from a C to G substitution at nucleotide position 6134. The threonine at codon 2045 is replaced by arginine, an amino acid with similar properties. This amino acid position is conserved. In addition, this alteration is predicted to be tolerated by in silico analysis. Based on the available evidence, the clinical significance of this variant remains unclear.

Color Diagnostics, LLC DBA Color Health
Classification: Uncertain significance for Cardiomyopathy. Last evaluated: 2023-12-05. Review status: criteria provided, single submitter. Criteria: ACMG Guidelines, 2015. Collection method: clinical testing. Allele origin: germline.
Comment: Variant of Uncertain Significance due to insufficient evidence: This missense variant is located in the C-terminal plakin repeat domain A of the DSP protein. Computational prediction tools and conservation analyses suggest that this variant may not impact the protein function. Computational splicing tools suggest that this variant may not impact RNA splicing. To our knowledge, functional assays have not been performed for this variant nor has this variant been reported in individuals affected with cardiovascular disorders in the literature. This variant is rare in the general population and has been identified in 0/277264 chromosomes by the Genome Aggregation Database (gnomAD). Available evidence is insufficient to determine the pathogenicity of this variant conclusively.

Labcorp Genetics (formerly Invitae), Labcorp
Classification: Uncertain significance for Arrhythmogenic cardiomyopathy with wooly hair and keratoderma; Arrhythmogenic right ventricular dysplasia 8. Last evaluated: 2022-10-31. Review status: criteria provided, single submitter. Criteria: Invitae Variant Classification Sherloc (09022015). Collection method: clinical testing. Allele origin: germline.
Comment: This sequence change replaces threonine, which is neutral and polar, with arginine, which is basic and polar, at codon 2045 of the DSP protein (p.Thr2045Arg). This variant is not present in population databases (gnomAD no frequency). This variant has not been reported in the literature in individuals affected with DSP-related conditions. ClinVar contains an entry for this variant (Variation ID: 851395). Algorithms developed to predict the effect of missense changes on protein structure and function are either unavailable or do not agree on the potential impact of this missense change (SIFT: "Tolerated"; PolyPhen-2: "Possibly Damaging"; Align-GVGD: "Class C15"). In summary, the available evidence is currently insufficient to determine the role of this variant in disease. Therefore, it has been classified as a Variant of Uncertain Significance.